The following is an entry in ClinVar:

ClinVar aggregate classification (germline): Uncertain significance. Review status: criteria provided, multiple submitters, no conflicts (2 of 4 stars). 2 submissions from 2 submitters: Uncertain significance (2). Last evaluated 2022-03-16.

Submissions (2):

Blueprint Genetics
Classification: Uncertain significance. Last evaluated: 2022-03-16. Review status: criteria provided, single submitter. Criteria: ACMG Guidelines, 2015. Collection method: clinical testing. Allele origin: germline.

Labcorp Genetics (formerly Invitae), Labcorp
Classification: Uncertain significance. Last evaluated: 2021-07-01. Review status: criteria provided, single submitter. Criteria: Invitae Variant Classification Sherloc (09022015). Collection method: clinical testing. Allele origin: germline.
Comment: This variant has not been reported in the literature in individuals affected with RBP3-related conditions. This variant is present in population databases (rs577173606, ExAC 0.01%). This sequence change replaces valine with leucine at codon 975 of the RBP3 protein (p.Val975Leu). The valine residue is highly conserved and there is a small physicochemical difference between valine and leucine. Algorithms developed to predict the effect of missense changes on protein structure and function are either unavailable or do not agree on the potential impact of this missense change (SIFT: "Deleterious"; PolyPhen-2: "Benign"; Align-GVGD: "Class C0"). In summary, the available evidence is currently insufficient to determine the role of this variant in disease. Therefore, it has been classified as a Variant of Uncertain Significance.

NM_002900.3(RBP3):c.2923G>C (p.Val975Leu)

Gene: RBP3 (retinol binding protein 3; plus strand). Cytogenetic location: 10q11.22.
Variant type: single nucleotide variant.
Coding change: c.2923G>C on transcript NM_002900.3 (MANE Select); coding-DNA position 2923, G replaced by C.
Protein change: p.Val975Leu; replaces valine 975 with leucine.
Molecular consequence: missense variant.
Genome position (GRCh38, 1-based): chr10:47,351,407, G>C. VCF-style: chr10-47351407-G-C. GRCh37 (hg19) VCF-style: chr10-48387955-C-G.
Other names: short protein forms V975L.
Identifiers: ClinVar variation 1464936 (VCV001464936.9), dbSNP rs577173606, ClinGen allele CA5487174.